The following is an entry in ClinVar:

ClinVar aggregate classification (germline): Uncertain significance (1 of 4 stars; one submission).

Allele frequency attached by ClinVar (database versions not stated): gnomAD exomes 0.00001 and below 0.00001; ExAC 0.00001.
gnomAD v4.1: 2 of 1,210,640 alleles (0.00017%); highest among the groups gnomAD compares: East Asian, 0.003%; no homozygotes.

Submission:

GeneDx
Classification: Uncertain significance. Last evaluated: 2026-10-10. Review status: criteria provided, single submitter. Criteria: GeneDx Variant Classification Process June 2021. Collection method: clinical testing. Allele origin: germline.
Comment: Not observed at significant frequency in large population cohorts (gnomAD); In silico analysis supports that this missense variant has a deleterious effect on protein structure/function; Has not been previously published as pathogenic or benign to our knowledge.

NM_006517.5(SLC16A2):c.1408C>T (p.Arg470Cys)

Gene: SLC16A2 (solute carrier family 16 member 2; plus strand). Cytogenetic location: Xq13.2.
Variant type: single nucleotide variant.
Coding change: c.1408C>T on transcript NM_006517.5 (MANE Select); coding-DNA position 1408, C replaced by T.
Protein change: p.Arg470Cys; replaces arginine 470 with cysteine.
Molecular consequence: missense variant.
Genome position (GRCh38, 1-based): chrX:74,531,341, C>T. VCF-style: chrX-74531341-C-T. GRCh37 (hg19) VCF-style: chrX-73751176-C-T.
Other names: short protein forms R470C.
Identifiers: ClinVar variation 1311182 (VCV001311182.5), dbSNP rs762142912, ClinGen allele CA10454533.
Genomic context (GRCh38, chrX:74,531,341, plus strand): 5'-TTTGGACAGTAGGGCAAAGCTGAGCTTGACTTGTCTCTCTTGACTGTTTCAGGCCTACTC[C>T]GCAACTGTTTTGGGGACTACCATGTGGCCTTCTACTTTGCCGGTGTGCCCCCCATCATCG-3'
Protein context (NP_006508.2, residues 460-480): IAGPPIAGLL[Arg470Cys]NCFGDYHVAF